The following is an entry in ClinVar:

ClinVar aggregate classification (germline): Uncertain significance (1 of 4 stars; one submission).

Conditions:
Familial cancer of breast. Also called: Hereditary breast cancer; BREAST CANCER, FAMILIAL; hereditary breast carcinoma. Identifiers: Orphanet 227535, MedGen C0346153, MONDO:0016419, OMIM 114480. Disease mechanism: loss of function.

Submission:

Labcorp Genetics (formerly Invitae), Labcorp
Classification: Uncertain significance for Familial cancer of breast. Last evaluated: 2025-07-30. Review status: criteria provided, single submitter. Criteria: Invitae Variant Classification Sherloc (09022015). Collection method: clinical testing. Allele origin: germline.
Comment: This sequence change replaces leucine, which is neutral and non-polar, with tryptophan, which is neutral and slightly polar, at codon 480 of the BARD1 protein (p.Leu480Trp). This variant is not present in population databases (gnomAD no frequency). This variant has not been reported in the literature in individuals affected with BARD1-related conditions. ClinVar contains an entry for this variant (Variation ID: 2132393). An algorithm developed to predict the effect of missense changes on protein structure and function (PolyPhen-2) suggests that this variant is likely to be disruptive. In summary, the available evidence is currently insufficient to determine the role of this variant in disease. Therefore, it has been classified as a Variant of Uncertain Significance.

NM_000465.4(BARD1):c.1439T>G (p.Leu480Trp)

Gene: BARD1 (BRCA1 associated RING domain 1; minus strand). Cytogenetic location: 2q35.
Variant type: single nucleotide variant.
Coding change: c.1439T>G on transcript NM_000465.4 (MANE Select); coding-DNA position 1439, T replaced by G.
Protein change: p.Leu480Trp; replaces leucine 480 with tryptophan.
Molecular consequence: missense variant. On other transcripts: non-coding transcript variant (3), intron variant (3).
Genome position (GRCh38, 1-based): chr2:214,767,611, A>C on the plus strand (T>G on the coding strand, the complement: BARD1 is on the minus strand). VCF-style: chr2-214767611-A-C. GRCh37 (hg19) VCF-style: chr2-215632335-A-C.
Other names: c.1382T>G, p.Leu461Trp (NM_001282543.2); c.159-15056T>G (NM_001282548.2); c.216-15056T>G (NM_001282545.2); c.364+24686T>G (NM_001282549.2); short protein forms L480W, L461W.
Identifiers: ClinVar variation 2132393 (VCV002132393.4), dbSNP rs149839922, ClinGen allele CA350448583.
Genomic context (GRCh38, chr2:214,767,611, plus strand): 5'-TCGTGAAGTGGTGAGTCATTTTGATACCCGGTGGTGTTCACCAATGCCTTATGCTGGAGC[A>C]ATAATTCCACTACCTTCAGGTGCCCATGATTGCAAGCTTCATGCTAATTAAATTTTTTGA-3'
Protein context (NP_000456.2, residues 470-490): NHGHLKVVEL[Leu480Trp]LQHKALVNTT